The following is an entry in ClinVar:

NM_001048174.2(MUTYH):c.1433T>G (p.Met478Arg)

Gene: MUTYH (mutY DNA glycosylase; minus strand). Cytogenetic location: 1p34.1.
Variant type: single nucleotide variant.
Coding change: c.1433T>G on transcript NM_001048174.2 (MANE Select); coding-DNA position 1433, T replaced by G.
Protein change: p.Met478Arg; replaces methionine 478 with arginine.
Molecular consequence: missense variant. On other transcripts: non-coding transcript variant (7).
Genome position (GRCh38, 1-based): chr1:45,330,517, A>C on the plus strand (T>G on the coding strand, the complement: MUTYH is on the minus strand). VCF-style: chr1-45330517-A-C. GRCh37 (hg19) VCF-style: chr1-45796189-A-C.
Other names: c.1433T>G, p.Met478Arg (NM_001048171.2, NM_001048173.2, NM_001293195.2 and 6 more transcripts); c.1436T>G, p.Met479Arg (NM_001048172.2, NM_001407071.1, NM_001407078.1 and 1 more transcripts); c.1517T>G, p.Met506Arg (NM_001128425.2); c.1478T>G, p.Met493Arg (NM_001293190.2); c.1466T>G, p.Met489Arg (NM_001293191.2, NM_001407069.1, NM_001407077.1); c.1157T>G, p.Met386Arg (NM_001293192.2, NM_001293196.2, NM_001407091.1); c.1088T>G, p.Met363Arg (NM_001350650.2, NM_001350651.2, NM_001407082.1); c.1349T>G, p.Met450Arg (NM_001407075.1); and 5 more; short protein forms M479R, M492R, M493R, M450R, M464R, M465R, M506R, M363R.
Identifiers: ClinVar variation 4113313 (VCV004113313.1).

ClinVar aggregate classification (germline): Uncertain significance (1 of 4 stars; one submission).

Conditions:
Hereditary cancer-predisposing syndrome. Also called: Tumor predisposition; Neoplastic Syndromes, Hereditary; Hereditary neoplastic syndrome; Hereditary Cancer Syndrome. Identifiers: Orphanet 140162, MedGen C0027672, MeSH D009386, MONDO:0015356.

Submission:

Ambry Genetics
Classification: Uncertain significance for Hereditary cancer-predisposing syndrome. Last evaluated: 2025-08-27. Review status: criteria provided, single submitter. Criteria: Ambry Variant Classification Scheme 2023. Collection method: clinical testing. Allele origin: germline.
Comment: The p.M506R variant (also known as c.1517T>G), located in coding exon 15 of the MUTYH gene, results from a T to G substitution at nucleotide position 1517. The methionine at codon 506 is replaced by arginine, an amino acid with similar properties. This amino acid position is conserved. In addition, this alteration is predicted to be tolerated by in silico analysis. Based on the available evidence, the clinical significance of this variant remains unclear.